The following is an entry in ClinVar:

NM_145207.3(AFG2A):c.463A>G (p.Ile155Val)

Gene: AFG2A (AFG2 AAA ATPase homolog A; plus strand). Cytogenetic location: 4q28.1.
Variant type: single nucleotide variant.
Coding change: c.463A>G on transcript NM_145207.3 (MANE Select); coding-DNA position 463, A replaced by G.
Protein change: p.Ile155Val; replaces isoleucine 155 with valine.
Molecular consequence: missense variant.
Genome position (GRCh38, 1-based): chr4:122,933,455, A>G. VCF-style: chr4-122933455-A-G. GRCh37 (hg19) VCF-style: chr4-123854610-A-G.
Other names: c.460A>G, p.Ile154Val (NM_001317799.2, NM_001345856.2); short protein forms I154V, I155V.
Identifiers: ClinVar variation 861533 (VCV000861533.4), dbSNP rs772580612, ClinGen allele CA3070235.

ClinVar aggregate classification (germline): Uncertain significance (1 of 4 stars; one submission).

Conditions:
Microcephaly-intellectual disability-sensorineural hearing loss-epilepsy-abnormal muscle tone syndrome (NEDHSB). Also called: NEURODEVELOPMENTAL DISORDER WITH HEARING LOSS, SEIZURES, AND BRAIN ABNORMALITIES. Identifiers: Orphanet 457351, MedGen C4225276, MONDO:0014698, OMIM 616577.

Allele frequency attached by ClinVar (database versions not stated): ExAC 0.00001; gnomAD 0.00001; gnomAD exomes 0.00001; TOPMed 0.00002.
gnomAD v4.1: 9 of 1,612,436 alleles (0.00056%); highest among the groups gnomAD compares: East Asian, 0.0045%; no homozygotes.

Submission:

Labcorp Genetics (formerly Invitae), Labcorp
Classification: Uncertain significance for Microcephaly-intellectual disability-sensorineural hearing loss-epilepsy-abnormal muscle tone syndrome. Last evaluated: 2022-09-13. Review status: criteria provided, single submitter. Criteria: Invitae Variant Classification Sherloc (09022015). Collection method: clinical testing. Allele origin: germline.
Comment: This sequence change replaces isoleucine, which is neutral and non-polar, with valine, which is neutral and non-polar, at codon 155 of the SPATA5 protein (p.Ile155Val). This variant is present in population databases (rs772580612, gnomAD 0.02%). This variant has not been reported in the literature in individuals affected with SPATA5-related conditions. ClinVar contains an entry for this variant (Variation ID: 861533). Advanced modeling of protein sequence and biophysical properties (such as structural, functional, and spatial information, amino acid conservation, physicochemical variation, residue mobility, and thermodynamic stability) performed at Invitae indicates that this missense variant is not expected to disrupt SPATA5 protein function. In summary, the available evidence is currently insufficient to determine the role of this variant in disease. Therefore, it has been classified as a Variant of Uncertain Significance.